The following is an entry in ClinVar:

NM_000059.4(BRCA2):c.9545A>G (p.His3182Arg)

Gene: BRCA2 (BRCA2 DNA repair associated; plus strand). Cytogenetic location: 13q13.1.
Variant type: single nucleotide variant.
Coding change: c.9545A>G on transcript NM_000059.4 (MANE Select); coding-DNA position 9545, A replaced by G.
Protein change: p.His3182Arg; replaces histidine 3182 with arginine.
Molecular consequence: missense variant.
Genome position (GRCh38, 1-based): chr13:32,396,941, A>G. VCF-style: chr13-32396941-A-G. GRCh37 (hg19) VCF-style: chr13-32971078-A-G.
Other names: short protein forms H3182R.
Identifiers: ClinVar variation 569109 (VCV000569109.13), dbSNP rs1566260129, ClinGen allele CA387763166.

ClinVar aggregate classification (germline): Uncertain significance. Review status: criteria provided, multiple submitters, no conflicts (2 of 4 stars). 2 submissions from 2 submitters: Uncertain significance (2). Last evaluated 2024-01-22.

Conditions:
Hereditary cancer-predisposing syndrome. Also called: Hereditary neoplastic syndrome; Tumor predisposition; Neoplastic Syndromes, Hereditary; Hereditary Cancer Syndrome. Identifiers: Orphanet 140162, MedGen C0027672, MeSH D009386, MONDO:0015356.
Hereditary breast ovarian cancer syndrome. Also called: Hereditary breast and ovarian cancer syndrome; Breast and ovarian cancer; Hereditary breast and ovarian cancer; Hereditary breast and/or ovarian cancer syndrome; Hereditary breast and ovarian cancer syndrome (HBOC); BRCA1- and BRCA2-Associated Hereditary Breast and Ovarian Cancer. Identifiers: Orphanet 145, MedGen C0677776, MeSH D061325, MONDO:0003582. Disease mechanism: loss of function.

Allele frequency attached by ClinVar (database versions not stated): gnomAD exomes below 0.00001.
gnomAD v4.1: 1 of 1,614,138 alleles (0.000062%); no homozygotes.

Submissions (2):

Ambry Genetics
Classification: Uncertain significance for Hereditary cancer-predisposing syndrome. Last evaluated: 2024-01-22. Review status: criteria provided, single submitter. Criteria: Ambry Variant Classification Scheme 2023. Collection method: clinical testing. Allele origin: germline.
Comment: The p.H3182R variant (also known as c.9545A>G), located in coding exon 25 of the BRCA2 gene, results from an A to G substitution at nucleotide position 9545. The histidine at codon 3182 is replaced by arginine, an amino acid with highly similar properties. This amino acid position is not well conserved in available vertebrate species. In addition, the in silico prediction for this alteration is inconclusive. Since supporting evidence is limited at this time, the clinical significance of this alteration remains unclear.

Labcorp Genetics (formerly Invitae), Labcorp
Classification: Uncertain significance for Hereditary breast ovarian cancer syndrome. Last evaluated: 2019-10-29. Review status: criteria provided, single submitter. Criteria: Invitae Variant Classification Sherloc (09022015). Collection method: clinical testing. Allele origin: germline.
Comment: This sequence change replaces histidine with arginine at codon 3182 of the BRCA2 protein (p.His3182Arg). The histidine residue is weakly conserved and there is a small physicochemical difference between histidine and arginine. This variant is not present in population databases (ExAC no frequency). This variant has not been reported in the literature in individuals with BRCA2-related disease. Algorithms developed to predict the effect of missense changes on protein structure and function output the following: SIFT: "Tolerated"; PolyPhen-2: "Benign"; Align-GVGD: "Class C0". The arginine amino acid residue is found in multiple mammalian species, suggesting that this missense change does not adversely affect protein function. These predictions have not been confirmed by published functional studies and their clinical significance is uncertain. In summary, the available evidence is currently insufficient to determine the role of this variant in disease. Therefore, it has been classified as a Variant of Uncertain Significance.